The following is an entry in ClinVar:

NM_003386.3(ZAN):c.2361C>T (p.Pro787=)

Gene: ZAN (zonadhesin; plus strand). Cytogenetic location: 7q22.1.
Variant type: single nucleotide variant.
Coding change: c.2361C>T on transcript NM_003386.3 (MANE Select); coding-DNA position 2361, C replaced by T.
Protein change: p.Pro787=; no amino-acid change (proline 787 retained).
Molecular consequence: synonymous variant. On other transcripts: non-coding transcript variant (3).
Genome position (GRCh38, 1-based): chr7:100,752,466, C>T. VCF-style: chr7-100752466-C-T. GRCh37 (hg19) VCF-style: chr7-100350089-C-T.
Other names: c.2361C>T, p.Pro787= (NM_173059.3).
Identifiers: ClinVar variation 2657770 (VCV002657770.24), dbSNP rs2484679869, ClinGen allele CA456898187.

ClinVar aggregate classification (germline): Likely benign (1 of 4 stars; one submission).

Submission:

CeGaT Center for Human Genetics Tuebingen
Classification: Likely benign. Last evaluated: 2022-08-01. Review status: criteria provided, single submitter. Criteria: CeGaT Center For Human Genetics Tuebingen Variant Classification Criteria Version 2. Collection method: clinical testing. Allele origin: germline. Affected: yes. Observed: 1 variant allele.
Comment: ZAN: BP4, BP7